The following is an entry in ClinVar:

ClinVar aggregate classification (germline): Likely benign. Review status: criteria provided, multiple submitters, no conflicts (2 of 4 stars). 3 submissions from 3 submitters: Likely benign (3). Last evaluated 2026-01-08.

Allele frequency attached by ClinVar (database versions not stated): ExAC 0.00011; gnomAD exomes 0.00013 and 0.00029; TOPMed 0.00015; gnomAD 0.00017 and 0.00019; ESP Exome Variant Server 0.00031.
gnomAD v4.1: 446 of 1,614,024 alleles (0.028%); highest among the groups gnomAD compares: Non-Finnish European, 0.036%; no homozygotes.

Submissions (3):

Labcorp Genetics (formerly Invitae), Labcorp
Classification: Likely benign. Last evaluated: 2026-01-08. Review status: criteria provided, single submitter. Criteria: Invitae Variant Classification Sherloc (09022015). Collection method: clinical testing. Allele origin: germline.

CeGaT Center for Human Genetics Tuebingen
Classification: Likely benign. Last evaluated: 2025-12-01. Review status: criteria provided, single submitter. Criteria: CeGaT Center For Human Genetics Tuebingen Variant Classification Criteria Version 2. Collection method: clinical testing. Allele origin: germline. Affected: yes. Observed: 1 variant allele.
Comment: LAMA1: BP4, BP7

Blueprint Genetics
Classification: Likely benign. Last evaluated: 2024-10-09. Review status: criteria provided, single submitter. Criteria: ACMG Guidelines, 2015. Collection method: clinical testing. Allele origin: germline.

NM_005559.4(LAMA1):c.9111C>T (p.Arg3037=)

Gene: LAMA1 (laminin subunit alpha 1; minus strand). Cytogenetic location: 18p11.31.
Variant type: single nucleotide variant.
Coding change: c.9111C>T on transcript NM_005559.4 (MANE Select); coding-DNA position 9111, C replaced by T.
Protein change: p.Arg3037=; no amino-acid change (arginine 3037 retained).
Molecular consequence: synonymous variant.
Genome position (GRCh38, 1-based): chr18:6,942,196, G>A on the plus strand (C>T on the coding strand, the complement: LAMA1 is on the minus strand). VCF-style: chr18-6942196-G-A. GRCh37 (hg19) VCF-style: chr18-6942195-G-A.
Identifiers: ClinVar variation 738598 (VCV000738598.13), dbSNP rs145569942, ClinGen allele CA8880241.
Genomic context (GRCh38, chr18:6,942,196, plus strand): 5'-GCTGAAGTCAAAGGACTGCACCTGCGGGCTCTTAATCAGAGCTAGCTTCCTCAAACACCC[G>A]CGGAACGAGGTCTGGCTGCGCAGGCATTTTTGCTTCACACCAGCTGTTCAGGAAAGAAGA-3'
Protein context (NP_005550.2, residues 3027-3047): QKCLRSQTSF[Arg3037=]GCLRKLALIK